The following is an entry in ClinVar:

NM_194454.3(KRIT1):c.1107A>C (p.Glu369Asp)

Gene: KRIT1 (KRIT1 ankyrin repeat containing; minus strand). Cytogenetic location: 7q21.2.
Variant type: single nucleotide variant.
Coding change: c.1107A>C on transcript NM_194454.3 (MANE Select); coding-DNA position 1107, A replaced by C.
Protein change: p.Glu369Asp; replaces glutamic acid 369 with aspartic acid.
Molecular consequence: missense variant.
Genome position (GRCh38, 1-based): chr7:92,226,565, T>G on the plus strand (A>C on the coding strand, the complement: KRIT1 is on the minus strand). VCF-style: chr7-92226565-T-G. GRCh37 (hg19) VCF-style: chr7-91855879-T-G.
Other names: c.963A>C, p.Glu321Asp (NM_001013406.2, NM_001350669.1, NM_001350670.1); c.393A>C, p.Glu131Asp (NM_001350671.1); c.1107A>C, p.Glu369Asp (NM_001350672.1, NM_001350673.1, NM_001350674.1 and 26 more transcripts); short protein forms E131D, E369D, E321D.
Identifiers: ClinVar variation 3710379 (VCV003710379.2).

ClinVar aggregate classification (germline): Uncertain significance (1 of 4 stars; one submission).

Conditions:
Cerebral cavernous malformation (CCM). Also called: CEREBRAL CAPILLARY MALFORMATIONS; Cerebral cavernous hemangioma (type); CAVERNOUS ANGIOMA, FAMILIAL; CAVERNOUS ANGIOMATOUS MALFORMATIONS; Cavernous Hemangioma of Brain; Cerebral cavernous malformations. Identifiers: Orphanet 221061, MedGen C2919945, MONDO:0000820, OMIM 116860, HP:0033522.

gnomAD v4.1: 1 of 1,613,176 alleles (0.000062%); highest among the groups gnomAD compares: Non-Finnish European, 0.000085%; no homozygotes.

Submission:

Labcorp Genetics (formerly Invitae), Labcorp
Classification: Uncertain significance for Cerebral cavernous malformation. Last evaluated: 2024-10-10. Review status: criteria provided, single submitter. Criteria: Invitae Variant Classification Sherloc (09022015). Collection method: clinical testing. Allele origin: germline.
Comment: This sequence change replaces glutamic acid, which is acidic and polar, with aspartic acid, which is acidic and polar, at codon 369 of the KRIT1 protein (p.Glu369Asp). This variant is present in population databases (no rsID available, gnomAD 0.007%). This variant has not been reported in the literature in individuals affected with KRIT1-related conditions. Invitae Evidence Modeling of protein sequence and biophysical properties (such as structural, functional, and spatial information, amino acid conservation, physicochemical variation, residue mobility, and thermodynamic stability) indicates that this missense variant is not expected to disrupt KRIT1 protein function with a negative predictive value of 80%. In summary, the available evidence is currently insufficient to determine the role of this variant in disease. Therefore, it has been classified as a Variant of Uncertain Significance.